The following is an entry in ClinVar:

ClinVar aggregate classification (germline): Pathogenic/Likely pathogenic. Review status: criteria provided, multiple submitters, no conflicts (2 of 4 stars). 6 submissions from 6 submitters: Pathogenic (5); Likely pathogenic (1). Last evaluated 2024-03-14.

Conditions:
Rare genetic deafness. Identifiers: Orphanet 96210, MedGen C5680250.
Autosomal recessive nonsyndromic hearing loss 4 (DFNB4). Also called: Deafness, autosomal recessive 4, with enlarged vestibular aqueduct; Deafness, autosomal recessive 4; NEUROSENSORY NONSYNDROMIC RECESSIVE DEAFNESS 4; DEAFNESS, AUTOSOMAL RECESSIVE 4, WITH ENLARGED VESTIBULAR AQUEDUCT, DIGENIC; Nonsyndromic enlarged vestibular aqueduct (NSEVA); FOXI1-Related Pendred Syndrome. Identifiers: Orphanet 90636, MedGen C3538946, MONDO:0010933, OMIM 600791.
Pendred syndrome (PDS). Also called: GOITER-DEAFNESS SYNDROME; HYPOTHYROIDISM, CONGENITAL, DUE TO DYSHORMONOGENESIS, 2B; Pendred's syndrome; THYROID DYSHORMONOGENESIS 2B; THYROID HORMONOGENESIS, GENETIC DEFECT IN, 2B; DEAFNESS WITH GOITER. Identifiers: Orphanet 705, MedGen C0271829, MONDO:0010134, OMIM 274600.

Submissions (6):

Genomic Medicine Center of Excellence, King Faisal Specialist Hospital and Research Centre
Classification: Pathogenic for Autosomal recessive nonsyndromic hearing loss 4. Last evaluated: 2024-03-14. Review status: criteria provided, single submitter. Criteria: ACMG Guidelines, 2015. Collection method: research. Allele origin: germline.

Baylor Genetics
Classification: Pathogenic for Autosomal recessive nonsyndromic hearing loss 4. Last evaluated: 2023-02-01. Review status: criteria provided, single submitter. Criteria: ACMG Guidelines, 2015. Collection method: clinical testing. Allele origin: unknown.

Revvity Omics, Revvity
Classification: Pathogenic. Last evaluated: 2021-11-22. Review status: criteria provided, single submitter. Criteria: ACMG Guidelines, 2015. Collection method: clinical testing. Allele origin: germline.

Genome-Nilou Lab
Classification: Likely pathogenic for Pendred syndrome. Last evaluated: 2021-09-05. Review status: criteria provided, single submitter. Criteria: ACMG Guidelines, 2015. Collection method: clinical testing. Allele origin: germline. Affected: no.

Laboratory for Molecular Medicine, Mass General Brigham Personalized Medicine
Classification: Pathogenic for Rare genetic deafness. Last evaluated: 2013-09-09. Review status: criteria provided, single submitter. Criteria: LMM Criteria. Collection method: clinical testing. Allele origin: germline. Inheritance: Autosomal recessive inheritance. Observed: 3 variant alleles.
Comment: The p.Trp518X variant in SLC26A4 has been previously reported in two individuals with hearing loss (Pourova 2010, Nonose 2011). One of these individuals was com pound heterozygous and the variant co-segregated with hearing loss in one affect ed sibling (Nonose 2011). This variant has not been identified in large populati on studies. This nonsense variant leads to a premature termination codon at pos ition 518, which is predicted to lead to a truncated or absent protein. In summa ry, this variant meets our criteria to be classified as pathogenic for hearing l oss in an autosomal recessive manner.

Laboratory of Human Genetics, Institute of Biosciences - University of Sao Paulo
Classification: Pathogenic for Autosomal recessive nonsyndromic hearing loss 4. Review status: criteria provided, single submitter. Criteria: ClinGen HL ACMG Specifications v1. Collection method: research. Allele origin: germline. Inheritance: Autosomal recessive inheritance. Affected: yes. Observed: 1 compound heterozygote. Segregation with disease observed.

Literature cited by the submitters: PubMed 20597900 (cited by Laboratory for Molecular Medicine, Mass General Brigham Personalized Medicine); PubMed 29739340 (cited by Laboratory of Human Genetics, Institute of Biosciences - University of Sao Paulo).

NM_000441.2(SLC26A4):c.1554G>A (p.Trp518Ter)

Gene: SLC26A4 (solute carrier family 26 member 4; plus strand). Cytogenetic location: 7q22.3.
Variant type: single nucleotide variant.
Coding change: c.1554G>A on transcript NM_000441.2 (MANE Select); coding-DNA position 1554, G replaced by A.
Protein change: p.Trp518Ter; replaces tryptophan 518 with a stop codon.
Molecular consequence: nonsense.
Genome position (GRCh38, 1-based): chr7:107,698,051, G>A. VCF-style: chr7-107698051-G-A. GRCh37 (hg19) VCF-style: chr7-107338496-G-A.
Other names: short protein forms W518*.
Identifiers: ClinVar variation 165257 (VCV000165257.14), dbSNP rs727503428, ClinGen allele CA273225.
Genomic context (GRCh38, chr7:107,698,051, plus strand): 5'-CCAAAATACGGCTGTTCCAAAAAATCTTGACCTTGATATTTTTTCTTCTAGTCCTTCTTG[G>A]AATGGCCTTGGAAGCATCCCTAGCACAGATATCTACAAAAGTACCAAGAATTACAAAAAC-3'